The following is an entry in ClinVar:

ClinVar aggregate classification (germline): Uncertain significance (1 of 4 stars; one submission).

Allele frequency attached by ClinVar (database versions not stated): gnomAD exomes below 0.00001; TOPMed below 0.00001.

Submission:

Labcorp Genetics (formerly Invitae), Labcorp
Classification: Uncertain significance. Last evaluated: 2023-07-10. Review status: criteria provided, single submitter. Criteria: Invitae Variant Classification Sherloc (09022015). Collection method: clinical testing. Allele origin: germline.
Comment: In summary, the available evidence is currently insufficient to determine the role of this variant in disease. Therefore, it has been classified as a Variant of Uncertain Significance. ClinVar contains an entry for this variant (Variation ID: 934232). This variant has not been reported in the literature in individuals affected with ADGRA3-related conditions. This variant is not present in population databases (gnomAD no frequency). This sequence change creates a premature translational stop signal (p.Gly714Argfs*14) in the ADGRA3 gene. It is expected to result in an absent or disrupted protein product. However, the current clinical and genetic evidence is not sufficient to establish whether loss-of-function variants in ADGRA3 cause disease.

NM_145290.4(ADGRA3):c.2139dup (p.Gly714fs)

Gene: ADGRA3 (adhesion G protein-coupled receptor A3; minus strand). Cytogenetic location: 4p15.2.
Variant type: Duplication.
Coding change: c.2139dup on transcript NM_145290.4 (MANE Select); coding-DNA position 2139, one base duplicated (A; older notation c.2139dupA).
Protein change: p.Gly714fs; shifts the reading frame from glycine 714.
Molecular consequence: frameshift variant.
Genome position (GRCh38, 1-based): chr4:22,413,275, T duplicated on the plus strand (A on the coding strand, the reverse complement: ADGRA3 is on the minus strand). VCF-style (leftmost placement, unchanged base first): chr4-22413274-C-CT. GRCh37 (hg19) VCF-style: chr4-22414897-C-CT.
Other names: short protein forms G714fs.
Identifiers: ClinVar variation 934232 (VCV000934232.7), dbSNP rs1715289393, ClinGen allele CA1139658453.